The following is an entry in ClinVar:

ClinVar aggregate classification (germline): Uncertain significance. Review status: criteria provided, multiple submitters, no conflicts (2 of 4 stars). 3 submissions from 3 submitters: Uncertain significance (3). Last evaluated 2026-03-10.

gnomAD v4.1: 45 of 1,611,804 alleles (0.0028%); highest among the groups gnomAD compares: South Asian, 0.0033%; no homozygotes.

Submissions (3):

Women's Health and Genetics/Laboratory Corporation of America, LabCorp
Classification: Uncertain significance. Last evaluated: 2026-03-10. Review status: criteria provided, single submitter. Criteria: LabCorp Variant Classification Summary - May 2015. Collection method: clinical testing. Allele origin: germline.
Comment: Variant summary: BLTP1 c.1913G>A (p.Arg638His) results in a non-conservative amino acid change in the encoded protein sequence. Algorithms developed to predict the effect of missense changes on protein structure and function are either unavailable or do not agree on the potential impact of this missense change. The variant allele was found at a frequency of 2.2e-05 in 278756 control chromosomes. The available data on variant occurrences in the general population are insufficient to allow any conclusion about variant significance. To our knowledge, no occurrence of c.1913G>A in individuals affected with BLTP1-related conditions and no experimental evidence demonstrating its impact on protein function have been reported. ClinVar contains an entry for this variant (Variation ID: 3991743). Based on the evidence outlined above, the variant was classified as uncertain significance.

Ambry Genetics
Classification: Uncertain significance. Last evaluated: 2025-06-07. Review status: criteria provided, single submitter. Criteria: Ambry Variant Classification Scheme 2023. Collection method: clinical testing. Allele origin: germline.

Blueprint Genetics
Classification: Uncertain significance. Last evaluated: 2023-05-08. Review status: criteria provided, single submitter. Criteria: ACMG Guidelines, 2015. Collection method: clinical testing. Allele origin: germline.

NM_001384125.1(BLTP1):c.1913G>A (p.Arg638His)

Gene: BLTP1 (bridge-like lipid transfer protein family member 1; plus strand). Cytogenetic location: 4q27.
Variant type: single nucleotide variant.
Coding change: c.1913G>A on transcript NM_001384125.1 (MANE Select); coding-DNA position 1913, G replaced by A.
Protein change: p.Arg638His; replaces arginine 638 with histidine.
Molecular consequence: missense variant.
Genome position (GRCh38, 1-based): chr4:122,209,319, G>A. VCF-style: chr4-122209319-G-A. GRCh37 (hg19) VCF-style: chr4-123130474-G-A.
Other names: c.1913G>A, p.Arg638His (NM_015312.4); short protein forms R638H.
Identifiers: ClinVar variation 3991743 (VCV003991743.3).
Genomic context (GRCh38, chr4:122,209,319, plus strand): 5'-ATGATACTGGTATTCCTGCTGAGTGTCAAAGTGGCCAGAAAACAGTTAAACCAAAATGGC[G>A]CAACGTTACTCAGGAAAAGTGAGTACGTAAAATTAGTGACACAGGCCAGGCACAGTGGCT-3'
Protein context (NP_001371054.1, residues 628-648): SGQKTVKPKW[Arg638His]NVTQEKSGWV